The following is an entry in ClinVar:

NM_198253.3(TERT):c.1824G>T (p.Gln608His)

Gene: TERT (telomerase reverse transcriptase; minus strand). Cytogenetic location: 5p15.33.
Variant type: single nucleotide variant.
Coding change: c.1824G>T on transcript NM_198253.3 (MANE Select); coding-DNA position 1824, G replaced by T.
Protein change: p.Gln608His; replaces glutamine 608 with histidine.
Molecular consequence: missense variant. On other transcripts: non-coding transcript variant (2).
Genome position (GRCh38, 1-based): chr5:1,280,284, C>A on the plus strand (G>T on the coding strand, the complement: TERT is on the minus strand). VCF-style: chr5-1280284-C-A. GRCh37 (hg19) VCF-style: chr5-1280399-C-A.
Other names: c.1824G>T, p.Gln608His (NM_001193376.3); short protein forms Q608H.
Identifiers: ClinVar variation 933755 (VCV000933755.49), dbSNP rs769540249, ClinGen allele CA3184749.

ClinVar aggregate classification (germline): Conflicting classifications of pathogenicity. Review status: criteria provided, conflicting classifications (1 of 4 stars). 3 submissions from 3 submitters: Uncertain significance (2); Likely benign (1). Last evaluated 2025-12-15.

Conditions:
Idiopathic Pulmonary Fibrosis. Also called: Idiopathic fibrosing alveolitis, chronic form; idiopathic fibrosing alveolitis. Identifiers: Orphanet 2032, MedGen C1800706, MeSH D054990, MONDO:0800504.
Dyskeratosis congenita, autosomal dominant 2. Identifiers: MedGen C3151443, MONDO:0013521, OMIM 613989.
Dyskeratosis congenita. Identifiers: Orphanet 1775, MedGen C0265965, MONDO:0015780.

Allele frequency attached by ClinVar (database versions not stated): gnomAD below 0.00001 and 0.00001.
gnomAD v4.1: 62 of 1,613,594 alleles (0.0038%); highest among the groups gnomAD compares: South Asian, 0.064%; no homozygotes.

Submissions (3):

Labcorp Genetics (formerly Invitae), Labcorp
Classification: Likely benign for Dyskeratosis congenita, autosomal dominant 2; Idiopathic Pulmonary Fibrosis. Last evaluated: 2025-12-15. Review status: criteria provided, single submitter. Criteria: Invitae Variant Classification Sherloc (09022015). Collection method: clinical testing. Allele origin: germline.

Ambry Genetics
Classification: Uncertain significance for Dyskeratosis congenita. Last evaluated: 2025-03-10. Review status: criteria provided, single submitter. Criteria: Ambry Variant Classification Scheme 2023. Collection method: clinical testing. Allele origin: germline.
Comment: The p.Q608H variant (also known as c.1824G>T), located in coding exon 4 of the TERT gene, results from a G to T substitution at nucleotide position 1824. The glutamine at codon 608 is replaced by histidine, an amino acid with highly similar properties. This amino acid position is poorly conserved in available vertebrate species. In addition, this alteration is predicted to be tolerated by in silico analysis. Based on the available evidence, the clinical significance of this variant remains unclear.

GeneDx
Classification: Uncertain significance. Last evaluated: 2023-02-22. Review status: criteria provided, single submitter. Criteria: GeneDx Variant Classification Process June 2021. Collection method: clinical testing. Allele origin: germline. Affected: yes.
Comment: In silico analysis supports that this missense variant does not alter protein structure/function; Has not been previously published as pathogenic or benign to our knowledge